The following is an entry in ClinVar:

NM_000288.4(PEX7):c.218_231del (p.Val73fs)

Gene: PEX7 (peroxisomal biogenesis factor 7; plus strand). Cytogenetic location: 6q23.3.
Variant type: Deletion.
Coding change: c.218_231del on transcript NM_000288.4 (MANE Select); coding-DNA positions 218 to 231, 14 bases deleted (TGACTTGGAGTGAG).
Protein change: p.Val73fs; shifts the reading frame from valine 73.
Molecular consequence: frameshift variant.
Genome position (GRCh38, 1-based): chr6:136,826,348-136,826,361, TGACTTGGAGTGAG deleted; deleting any 14 consecutive bases within chr6:136,826,347-136,826,361 gives the same sequence; the c. name uses the placement nearest the transcript's 3' end. VCF-style (leftmost placement, unchanged base first): chr6-136826346-TGTGACTTGGAGTGA-T. GRCh37 (hg19) VCF-style: chr6-137147484-TGTGACTTGGAGTGA-T.
Other names: c.104_117del, p.Val35fs (NM_001410945.1); short protein forms V35fs, V73fs.
Identifiers: ClinVar variation 4818124 (VCV004818124.2).

ClinVar aggregate classification (germline): Pathogenic/Likely pathogenic. Review status: criteria provided, multiple submitters, no conflicts (2 of 4 stars). 2 submissions from 2 submitters: Pathogenic (1); Likely pathogenic (1). Last evaluated 2024-09-18.

Conditions:
Peroxisome biogenesis disorder. Identifiers: Orphanet 79189, MedGen C1832200, MONDO:0019234. Disease mechanism: loss of function.
Rhizomelic chondrodysplasia punctata (RCDP). Identifiers: Orphanet 177, MedGen C0282529, MONDO:0015776. Disease mechanism: loss of function.

Submissions (2):

Natera, Inc.
Classification: Likely pathogenic for Rhizomelic Chondrodysplasia Punctata. Last evaluated: 2024-09-18. Review status: criteria provided, single submitter. Criteria: Natera Variant Classification Schema (03/2026). Collection method: clinical testing. Allele origin: germline.
Comment: The c.218_231del variant in PEX7 is a frameshift variant predicted to shift the reading frame beginning at codon 73 and leads to a stop codon 10 codons downstream. This variant is expected to result in nonsense mediated decay, truncation, or a dysfunctional protein product. This variant is rare in the general population with a frequency below the threshold expected for the associated phenotype(s). Given the available evidence, this variant is classified as Likely Pathogenic.

Myriad Genetics, Inc.
Classification: Pathogenic for Peroxisome biogenesis disorder. Last evaluated: 2024-02-14. Review status: criteria provided, single submitter. Criteria: Myriad Autosomal Dominant, Autosomal Recessive and X-Linked Classification Criteria (2023). Collection method: clinical testing. Allele origin: unknown.
Comment: NM_000288.3(PEX7):c.218_231del14(V73Efs*10) is expected to be pathogenic in the context of PEX7-related disorders. This variant is predicted to lead to an abnormal or absent protein product due to the creation of a premature termination codon in PEX7, a gene where loss-of-function variants are known to be pathogenic. Please note: this variant was assessed in the context of healthy population screening.